The following is an entry in ClinVar:

NM_006231.4(POLE):c.2946dup (p.Lys983Ter)

Gene: POLE (DNA polymerase epsilon, catalytic subunit; minus strand). Cytogenetic location: 12q24.33.
Variant type: Duplication.
Coding change: c.2946dup on transcript NM_006231.4 (MANE Select); coding-DNA position 2946, one base duplicated (T; older notation c.2946dupT).
Protein change: p.Lys983Ter; replaces lysine 983 with a stop codon.
Molecular consequence: nonsense.
Genome position (GRCh38, 1-based): chr12:132,661,083, A duplicated on the plus strand (T on the coding strand, the reverse complement: POLE is on the minus strand); the first of 2 consecutive A bases (chr12:132,661,083-132,661,084); duplicating either gives the same sequence. VCF-style (leftmost placement, unchanged base first): chr12-132661082-T-TA. GRCh37 (hg19) VCF-style: chr12-133237668-T-TA.
Other names: c.2946dupT (NM_006231.2); short protein forms K983*.
Identifiers: ClinVar variation 1921810 (VCV001921810.6), dbSNP rs2138690983, ClinGen allele CA2580086146.

ClinVar aggregate classification (germline): Conflicting classifications of pathogenicity. Review status: criteria provided, conflicting classifications (1 of 4 stars). 2 submissions from 2 submitters: Pathogenic (1); Uncertain significance (1). Last evaluated 2025-05-30.

Conditions:
Hereditary cancer-predisposing syndrome. Also called: Hereditary Cancer Syndrome; Hereditary neoplastic syndrome; Neoplastic Syndromes, Hereditary; Tumor predisposition. Identifiers: Orphanet 140162, MedGen C0027672, MeSH D009386, MONDO:0015356.

Submissions (2):

Labcorp Genetics (formerly Invitae), Labcorp
Classification: Pathogenic. Last evaluated: 2025-05-30. Review status: criteria provided, single submitter. Criteria: Invitae Variant Classification Sherloc (09022015). Collection method: clinical testing. Allele origin: germline.
Comment: This sequence change creates a premature translational stop signal (p.Lys983*) in the POLE gene. It is expected to result in an absent or disrupted protein product. Loss-of-function variants in POLE are known to be pathogenic (PMID: 23230001, 25948378, 30503519). This variant is not present in population databases (gnomAD no frequency). This variant has not been reported in the literature in individuals affected with POLE-related conditions. ClinVar contains an entry for this variant (Variation ID: 1921810). For these reasons, this variant has been classified as Pathogenic.

Ambry Genetics
Classification: Uncertain significance for Hereditary cancer-predisposing syndrome. Last evaluated: 2025-03-05. Review status: criteria provided, single submitter. Criteria: Ambry Variant Classification Scheme 2023. Collection method: clinical testing. Allele origin: germline.
Comment: The c.2946dupT variant, located in coding exon 25 of the POLE gene, results from a duplication of T at nucleotide position 2946, causing a translational frameshift with a predicted alternate stop codon (p.K983*). This alteration is expected to result in loss of function by premature protein truncation or nonsense-mediated mRNA decay. Although biallelic loss of function of POLE has been associated with autosomal recessive POLE deficiency, haploinsufficiency of POLE has not been established as a mechanism of disease for POLE-related polymerase proofreading-associated polyposis (PPAP) and POLE-related CMMRD-like syndrome. Based on the supporting evidence, this variant is expected to be causative of POLE deficiency when present along with a second pathogenic variant on the other allele; however, its clinical significance for PPAP and POLE-related CMMRD-like syndrome is unclear.

Literature cited by the submitters: PubMed 23230001 (cited by Labcorp Genetics (formerly Invitae), Labcorp); PubMed 25948378 (cited by Labcorp Genetics (formerly Invitae), Labcorp); PubMed 30503519 (cited by Labcorp Genetics (formerly Invitae), Labcorp).